The following is an entry in ClinVar:

NM_007194.4(CHEK2):c.1577A>G (p.Glu526Gly)

Gene: CHEK2 (checkpoint kinase 2; minus strand). Cytogenetic location: 22q12.1.
Variant type: single nucleotide variant.
Coding change: c.1577A>G on transcript NM_007194.4 (MANE Select); coding-DNA position 1577, A replaced by G.
Protein change: p.Glu526Gly; replaces glutamic acid 526 with glycine.
Molecular consequence: missense variant.
Genome position (GRCh38, 1-based): chr22:28,687,952, T>C on the plus strand (A>G on the coding strand, the complement: CHEK2 is on the minus strand). VCF-style: chr22-28687952-T-C. GRCh37 (hg19) VCF-style: chr22-29083940-T-C.
Other names: c.1706A>G, p.Glu569Gly (NM_001005735.3); c.914A>G, p.Glu305Gly (NM_001257387.3); c.1376A>G, p.Glu459Gly (NM_001349956.3); c.1490A>G, p.Glu497Gly (NM_145862.3); short protein forms E305G, E497G, E459G, E526G, E569G.
Identifiers: ClinVar variation 920056 (VCV000920056.4), dbSNP rs746341976, ClinGen allele CA10167606.

ClinVar aggregate classification (germline): Uncertain significance. Review status: criteria provided, multiple submitters, no conflicts (2 of 4 stars). 2 submissions from 2 submitters: Uncertain significance (2). Last evaluated 2026-02-20.

Conditions:
Hereditary cancer-predisposing syndrome. Also called: Tumor predisposition; Hereditary neoplastic syndrome; Hereditary Cancer Syndrome; Neoplastic Syndromes, Hereditary. Identifiers: Orphanet 140162, MedGen C0027672, MeSH D009386, MONDO:0015356.

Allele frequency attached by ClinVar (database versions not stated): gnomAD exomes below 0.00001; ExAC 0.00001.

Submissions (2):

Ambry Genetics
Classification: Uncertain significance for Hereditary cancer-predisposing syndrome. Last evaluated: 2026-02-20. Review status: criteria provided, single submitter. Criteria: Ambry Variant Classification Scheme 2023. Collection method: clinical testing. Allele origin: germline.
Comment: The p.E526G variant (also known as c.1577A>G), located in coding exon 14 of the CHEK2 gene, results from an A to G substitution at nucleotide position 1577. The glutamic acid at codon 526 is replaced by glycine, an amino acid with similar properties. This amino acid position is well conserved in available vertebrate species. In addition, this alteration is predicted to be tolerated by in silico analysis. Based on the available evidence, the clinical significance of this variant remains unclear.

Color Diagnostics, LLC DBA Color Health
Classification: Uncertain significance for Hereditary cancer-predisposing syndrome. Last evaluated: 2020-01-14. Review status: criteria provided, single submitter. Criteria: ACMG Guidelines, 2015. Collection method: clinical testing. Allele origin: germline.
Comment: This missense variant replaces glutamic acid with glycine at codon 526 of the CHEK2 protein. Computational prediction tool suggests that this variant may not impact protein structure and function (internally defined REVEL score threshold ≤0.5, PMID: 27666373). Splice site prediction tools suggest that this variant may not impact RNA splicing. To our knowledge, functional studies have not been performed for this variant. This variant has not been reported in individuals affected with hereditary cancer in the literature. This variant has been identified in 1/233548 chromosomes in the general population by the Genome Aggregation Database (gnomAD). The available evidence is insufficient to determine the role of this variant in disease conclusively. Therefore, this variant is classified as a Variant of Uncertain Significance.